The following is an entry in ClinVar:

ClinVar aggregate classification (germline): Uncertain significance (1 of 4 stars; one submission).

Allele frequency attached by ClinVar (database versions not stated): gnomAD exomes 0.00001.
gnomAD v4.1: 6 of 1,612,216 alleles (0.00037%); highest among the groups gnomAD compares: Non-Finnish European, 0.00034%; no homozygotes.

Submission:

Labcorp Genetics (formerly Invitae), Labcorp
Classification: Uncertain significance. Last evaluated: 2022-08-19. Review status: criteria provided, single submitter. Criteria: Invitae Variant Classification Sherloc (09022015). Collection method: clinical testing. Allele origin: germline.
Comment: This sequence change replaces valine, which is neutral and non-polar, with glutamic acid, which is acidic and polar, at codon 22 of the IGF1 protein (p.Val22Glu). This variant is present in population databases (no rsID available, gnomAD 0.003%). This variant has not been reported in the literature in individuals affected with IGF1-related conditions. Algorithms developed to predict the effect of missense changes on protein structure and function are either unavailable or do not agree on the potential impact of this missense change (SIFT: "Deleterious"; PolyPhen-2: "Possibly Damaging"; Align-GVGD: "Class C0"). In summary, the available evidence is currently insufficient to determine the role of this variant in disease. Therefore, it has been classified as a Variant of Uncertain Significance.

NM_000618.5(IGF1):c.65T>A (p.Val22Glu)

Genes: IGF1 (insulin like growth factor 1; minus strand), LINC02456 (long intergenic non-protein coding RNA 2456; plus strand). Cytogenetic location: 12q23.2.
Variant type: single nucleotide variant.
Coding change: c.65T>A on transcript NM_000618.5 (MANE Select); coding-DNA position 65, T replaced by A.
Protein change: p.Val22Glu; replaces valine 22 with glutamic acid.
Molecular consequence: missense variant.
Genome position (GRCh38, 1-based): chr12:102,475,798, A>T on the plus strand (T>A on the coding strand, the complement: IGF1 is on the minus strand). VCF-style: chr12-102475798-A-T. GRCh37 (hg19) VCF-style: chr12-102869576-A-T.
Other names: c.65T>A, p.Val22Glu (NM_001111283.3, NM_001111285.3, NM_001414005.1 and 1 more transcripts); c.17T>A, p.Val6Glu (NM_001111284.2, NM_001414006.1); short protein forms V6E, V22E.
Identifiers: ClinVar variation 2106637 (VCV002106637.4), dbSNP rs1317915274, ClinGen allele CA386491757.
Genomic context (GRCh38, chr12:102,475,798, plus strand): 5'-AAGGTGAGCAGGCACAGCGCCAGGTAGAAGAGATGCGAGGAGGACATGGTGTGCATCTTC[A>T]CCTGCCCAAGAAACAGAGGGAGGGTCAGGTTTCCTCCTTGATCCTTGCAAGGGGAGTGGG-3'
Protein context (NP_000609.1, residues 12-32): FKCCFCDFLK[Val22Glu]KMHTMSSSHL